The following is an entry in ClinVar:

NM_032387.5(WNK4):c.1405C>T (p.Arg469Trp)

Gene: WNK4 (WNK lysine deficient protein kinase 4; plus strand). Cytogenetic location: 17q21.2.
Variant type: single nucleotide variant.
Coding change: c.1405C>T on transcript NM_032387.5 (MANE Select); coding-DNA position 1405, C replaced by T.
Protein change: p.Arg469Trp; replaces arginine 469 with tryptophan.
Molecular consequence: missense variant.
Genome position (GRCh38, 1-based): chr17:42,785,411, C>T. VCF-style: chr17-42785411-C-T. GRCh37 (hg19) VCF-style: chr17-40937429-C-T.
Other names: c.397C>T, p.Arg133Trp (NM_001321299.2); short protein forms R133W, R469W.
Identifiers: ClinVar variation 891767 (VCV000891767.6), dbSNP rs370770635, ClinGen allele CA8583979.

ClinVar aggregate classification (germline): Conflicting classifications of pathogenicity. Review status: criteria provided, conflicting classifications (1 of 4 stars). 3 submissions from 3 submitters: Uncertain significance (2); Benign (1). Last evaluated 2025-12-31.

Conditions:
Inborn genetic diseases. Identifiers: MedGen C0950123, MeSH D030342.
Pseudohypoaldosteronism type 2B (PHA2B). Also called: Pseudohypoaldosteronism Type IIB. Identifiers: Orphanet 757, Orphanet 88939, MedGen C1840390, MONDO:0013777, OMIM 614491.

Allele frequency attached by ClinVar (database versions not stated): gnomAD 0.00002; TOPMed 0.00003; ExAC 0.00007; ESP Exome Variant Server 0.00008.
gnomAD v4.1: 51 of 1,570,298 alleles (0.0032%); highest among the groups gnomAD compares: Admixed American, 0.011%; no homozygotes.

Submissions (3):

Labcorp Genetics (formerly Invitae), Labcorp
Classification: Uncertain significance. Last evaluated: 2025-12-31. Review status: criteria provided, single submitter. Criteria: Invitae Variant Classification Sherloc (09022015). Collection method: clinical testing. Allele origin: germline.
Comment: This sequence change replaces arginine, which is basic and polar, with tryptophan, which is neutral and slightly polar, at codon 469 of the WNK4 protein (p.Arg469Trp). This variant is present in population databases (rs370770635, gnomAD 0.03%). This variant has not been reported in the literature in individuals affected with WNK4-related conditions. ClinVar contains an entry for this variant (Variation ID: 891767). Invitae Evidence Modeling of protein sequence and biophysical properties (such as structural, functional, and spatial information, amino acid conservation, physicochemical variation, residue mobility, and thermodynamic stability) indicates that this missense variant is not expected to disrupt WNK4 protein function with a negative predictive value of 95%. In summary, the available evidence is currently insufficient to determine the role of this variant in disease. Therefore, it has been classified as a Variant of Uncertain Significance.

Ambry Genetics
Classification: Uncertain significance for Inborn genetic diseases. Last evaluated: 2024-09-08. Review status: criteria provided, single submitter. Criteria: Ambry Variant Classification Scheme 2023. Collection method: clinical testing. Allele origin: germline.

Illumina Laboratory Services, Illumina
Classification: Benign for Pseudohypoaldosteronism type 2B. Last evaluated: 2018-01-12. Review status: criteria provided, single submitter. Criteria: ICSL Variant Classification Criteria 13 December 2019. Collection method: clinical testing. Allele origin: germline.
Comment: This variant was observed in the ICSL laboratory as part of a predisposition screen in an ostensibly healthy population. It had not been previously curated by ICSL or reported in the Human Gene Mutation Database (HGMD: prior to June 1st, 2018), and was therefore a candidate for classification through an automated scoring system. Utilizing variant allele frequency, disease prevalence and penetrance estimates, and inheritance mode, an automated score was calculated to assess if this variant is too frequent to cause the disease. Based on the score and internal cut-off values, a variant classified as benign is not then subjected to further curation. The score for this variant resulted in a classification of benign for this disease.